The following is an entry in ClinVar:

ClinVar aggregate classification (germline): Likely pathogenic (1 of 4 stars; one submission).

Conditions:
Glucose-6-phosphate transport defect (GSD1B). Also called: Glycogen Storage Disease Type Ib; GSD Ib. Identifiers: Orphanet 364, Orphanet 79259, MedGen C0268146, MONDO:0009288, OMIM 232220.

Submission:

Labcorp Genetics (formerly Invitae), Labcorp
Classification: Likely pathogenic for Glucose-6-phosphate transport defect. Last evaluated: 2023-04-03. Review status: criteria provided, single submitter. Criteria: Invitae Variant Classification Sherloc (09022015). Collection method: clinical testing. Allele origin: germline.
Comment: This sequence change affects an acceptor splice site in intron 4 of the SLC37A4 gene. It is expected to disrupt RNA splicing. Variants that disrupt the donor or acceptor splice site typically lead to a loss of protein function (PMID: 16199547), and loss-of-function variants in SLC37A4 are known to be pathogenic (PMID: 9758626, 10940311). This variant is not present in population databases (gnomAD no frequency). This variant has not been reported in the literature in individuals affected with SLC37A4-related conditions. Algorithms developed to predict the effect of sequence changes on RNA splicing suggest that this variant may disrupt the consensus splice site. In summary, the currently available evidence indicates that the variant is pathogenic, but additional data are needed to prove that conclusively. Therefore, this variant has been classified as Likely Pathogenic.

Literature cited by the submitters: PubMed 16199547; PubMed 9758626; PubMed 10940311.

NM_001164277.2(SLC37A4):c.382-2A>G

Gene: SLC37A4 (solute carrier family 37 member 4; minus strand). Cytogenetic location: 11q23.3.
Variant type: single nucleotide variant.
Coding change: c.382-2A>G on transcript NM_001164277.2 (MANE Select); the canonical splice acceptor site of the intron before coding-DNA position 382, A replaced by G.
Molecular consequence: splice acceptor variant.
Genome position (GRCh38, 1-based): chr11:119,027,874, T>C on the plus strand (A>G on the coding strand, the complement: SLC37A4 is on the minus strand). VCF-style: chr11-119027874-T-C. GRCh37 (hg19) VCF-style: chr11-118898584-T-C.
Other names: c.163-2A>G (NM_001164279.2); c.382-2A>G (NM_001467.6, NM_001164278.2, NM_001164280.2).
Identifiers: ClinVar variation 2851677 (VCV002851677.3), dbSNP rs2497029871, ClinGen allele CA382904322.
Genomic context (GRCh38, chr11:119,027,874, plus strand): 5'-AGGTTCATGCTGGTTGACAGGATGGCCCACCAAGTGCCAAACTGAGATGGCTCAAACCAC[T>C]GTGGGGCAGAGGGCGACACGTAGGTGTCCAGCCTACTGCCCATGTTGAGGGTGGGGTCAG-3'